The following is an entry in ClinVar:

NM_001318789.2(TLR2):c.597T>C (p.Asn199=)

Gene: TLR2 (toll like receptor 2; plus strand). Cytogenetic location: 4q31.3.
Variant type: single nucleotide variant.
Coding change: c.597T>C on transcript NM_001318789.2 (MANE Select); coding-DNA position 597, T replaced by C.
Protein change: p.Asn199=; no amino-acid change (asparagine 199 retained).
Molecular consequence: synonymous variant.
Genome position (GRCh38, 1-based): chr4:153,703,504, T>C. VCF-style: chr4-153703504-T-C. GRCh37 (hg19) VCF-style: chr4-154624656-T-C.
Other names: c.597T>C, p.Asn199= (NM_001318787.2, NM_001318790.2, NM_001318791.2 and 4 more transcripts).
Identifiers: ClinVar variation 3060911 (VCV003060911.4), dbSNP rs3804099, ClinGen allele CA3110751.

ClinVar aggregate classification (germline): Conflicting classifications of pathogenicity. Review status: no assertion criteria provided (0 of 4 stars). 2 submissions from 2 submitters: Uncertain significance (1); Benign (1). Last evaluated 2024-01-01.

Conditions:
COVID-19–associated multisystem inflammatory syndrome in adults. Identifiers: MedGen CN305503, MONDO:0100319.
TLR2-related disorder. Also called: TLR2-related condition.

Allele frequency attached by ClinVar (database versions not stated): 1000 Genomes Project 0.41474; ESP Exome Variant Server 0.49469; ExAC 0.41130; 1000 Genomes Project 30x 0.42177; gnomAD exomes 0.43157; TOPMed 0.47553; gnomAD 0.47021.

Submissions (2):

Pneumogenomics Laboratory, Instituto Nacional de Enfermedades Respiratorias Ismael Cosio Villegas
Classification: Uncertain significance for COVID-19–associated multisystem inflammatory syndrome in adults. Last evaluated: 2024-01-01. Review status: no assertion criteria provided. Collection method: research. Allele origin: germline.

PreventionGenetics, part of Exact Sciences
Classification: Benign for TLR2-related condition. Last evaluated: 2019-10-16. Review status: no assertion criteria provided. Collection method: clinical testing. Allele origin: germline.
Comment: This variant is classified as benign based on ACMG/AMP sequence variant interpretation guidelines (Richards et al. 2015 PMID: 25741868, with internal and published modifications).